The following is an entry in ClinVar:

ClinVar aggregate classification (germline): Uncertain significance. Review status: criteria provided, multiple submitters, no conflicts (2 of 4 stars). 2 submissions from 2 submitters: Uncertain significance (2). Last evaluated 2025-07-14.

Conditions:
Inborn genetic diseases. Identifiers: MedGen C0950123, MeSH D030342.
Acute myeloid leukemia (AML). Also called: Acute myeloid leukemia, adult; AML adult; Acute non-lymphocytic leukemia; Acute granulocytic leukemia; Leukemia, acute myeloid, somatic; Leukemia, acute myelogenous, somatic. Identifiers: Orphanet 519, MedGen C0023467, MeSH D015470, MONDO:0018874, OMIM 601626, HP:0004808. Disease mechanism: Constitutively activated FLT3.

Submissions (2):

Ambry Genetics
Classification: Uncertain significance for Inborn genetic diseases. Last evaluated: 2025-07-14. Review status: criteria provided, single submitter. Criteria: Ambry Variant Classification Scheme 2023. Collection method: clinical testing. Allele origin: germline.
Comment: The p.A240T variant (also known as c.718G>A), located in coding exon 1 of the CEBPA gene, results from a G to A substitution at nucleotide position 718. The alanine at codon 240 is replaced by threonine, an amino acid with similar properties. This amino acid position is conserved. In addition, this alteration is predicted to be tolerated by in silico analysis. Based on the available evidence, the clinical significance of this variant remains unclear.

Labcorp Genetics (formerly Invitae), Labcorp
Classification: Uncertain significance for Acute myeloid leukemia. Last evaluated: 2024-07-20. Review status: criteria provided, single submitter. Criteria: Invitae Variant Classification Sherloc (09022015). Collection method: clinical testing. Allele origin: germline.
Comment: This sequence change replaces alanine, which is neutral and non-polar, with threonine, which is neutral and polar, at codon 240 of the CEBPA protein (p.Ala240Thr). This variant is not present in population databases (gnomAD no frequency). This variant has not been reported in the literature in individuals affected with CEBPA-related conditions. ClinVar contains an entry for this variant (Variation ID: 2137242). Advanced modeling of protein sequence and biophysical properties (such as structural, functional, and spatial information, amino acid conservation, physicochemical variation, residue mobility, and thermodynamic stability) performed at Invitae indicates that this missense variant is not expected to disrupt CEBPA protein function with a negative predictive value of 80%. In summary, the available evidence is currently insufficient to determine the role of this variant in disease. Therefore, it has been classified as a Variant of Uncertain Significance.

NM_004364.5(CEBPA):c.718G>A (p.Ala240Thr)

Gene: CEBPA (CCAAT enhancer binding protein alpha; minus strand). Cytogenetic location: 19q13.11.
Variant type: single nucleotide variant.
Coding change: c.718G>A on transcript NM_004364.5 (MANE Select); coding-DNA position 718, G replaced by A.
Protein change: p.Ala240Thr; replaces alanine 240 with threonine.
Molecular consequence: missense variant.
Genome position (GRCh38, 1-based): chr19:33,301,697, C>T on the plus strand (G>A on the coding strand, the complement: CEBPA is on the minus strand). VCF-style: chr19-33301697-C-T. GRCh37 (hg19) VCF-style: chr19-33792603-C-T.
Other names: c.361G>A, p.Ala121Thr (NM_001285829.2); c.823G>A, p.Ala275Thr (NM_001287424.2); c.676G>A, p.Ala226Thr (NM_001287435.2); short protein forms A121T, A226T, A240T, A275T.
Identifiers: ClinVar variation 2137242 (VCV002137242.5), dbSNP rs2513329491, ClinGen allele CA405274352.